The following is an entry in ClinVar:

ClinVar aggregate classification (germline): Uncertain significance (1 of 4 stars; one submission).

Conditions:
Inborn genetic diseases. Identifiers: MedGen C0950123, MeSH D030342.

Allele frequency attached by ClinVar (database versions not stated): gnomAD exomes below 0.00001.
gnomAD v4.1: 2 of 1,599,004 alleles (0.00013%); highest among the groups gnomAD compares: Non-Finnish European, 0.00017%; no homozygotes.

Submission:

Ambry Genetics
Classification: Uncertain significance for Inborn genetic diseases. Last evaluated: 2023-09-18. Review status: criteria provided, single submitter. Criteria: Ambry Variant Classification Scheme 2023. Collection method: clinical testing. Allele origin: germline.
Comment: The p.C124Y variant (also known as c.371G>A), located in coding exon 4 of the ATR gene, results from a G to A substitution at nucleotide position 371. The cysteine at codon 124 is replaced by tyrosine, an amino acid with highly dissimilar properties. This amino acid position is conserved. In addition, this alteration is predicted to be tolerated by in silico analysis. Since supporting evidence is limited at this time, the clinical significance of this alteration remains unclear.

NM_001184.4(ATR):c.371G>A (p.Cys124Tyr)

Gene: ATR (ATR checkpoint kinase; minus strand). Cytogenetic location: 3q23.
Variant type: single nucleotide variant.
Coding change: c.371G>A on transcript NM_001184.4 (MANE Select); coding-DNA position 371, G replaced by A.
Protein change: p.Cys124Tyr; replaces cysteine 124 with tyrosine.
Molecular consequence: missense variant.
Genome position (GRCh38, 1-based): chr3:142,563,031, C>T on the plus strand (G>A on the coding strand, the complement: ATR is on the minus strand). VCF-style: chr3-142563031-C-T. GRCh37 (hg19) VCF-style: chr3-142281873-C-T.
Other names: c.371G>A, p.Cys124Tyr (NM_001354579.2); short protein forms C124Y.
Identifiers: ClinVar variation 3221138 (VCV003221138.1), dbSNP rs2473430106, ClinGen allele CA354827256.